The following is an entry in ClinVar:

ClinVar aggregate classification (germline): Uncertain significance (1 of 4 stars; one submission).

Submission:

Labcorp Genetics (formerly Invitae), Labcorp
Classification: Uncertain significance. Last evaluated: 2021-05-31. Review status: criteria provided, single submitter. Criteria: Invitae Variant Classification Sherloc (09022015). Collection method: clinical testing. Allele origin: germline.
Comment: This variant, c.162_167del, results in the deletion of 2 amino acid(s) of the DLX6 protein (p.Gln54_Pro55del), but otherwise preserves the integrity of the reading frame. The frequency data for this variant in the population databases is considered unreliable, as metrics indicate poor data quality at this position in the ExAC database. This variant has not been reported in the literature in individuals with DLX6-related conditions. Experimental studies and prediction algorithms are not available or were not evaluated, and the functional significance of this variant is currently unknown. In summary, the available evidence is currently insufficient to determine the role of this variant in disease. Therefore, it has been classified as a Variant of Uncertain Significance.

NM_005222.4(DLX6):c.156GCCGCA[1] (p.Gln54_Pro55del)

Genes: DLX6 (distal-less homeobox 6; plus strand), DLX6-AS1 (DLX6 antisense RNA 1; minus strand). Cytogenetic location: 7q21.3.
Variant type: Microsatellite.
Coding change: c.156GCCGCA[1] on transcript NM_005222.4 (MANE Select); one copy of the 6-base unit GCCGCA starting at c.156; the reference has two copies in a row; one copy, 6 bases deleted.
Protein change: p.Gln54_Pro55del.
Molecular consequence: inframe deletion.
Genome position (GRCh38, 1-based): chr7:97,006,139-97,006,144, GCCGCA deleted; deleting any 6 consecutive bases within chr7:97,006,133-97,006,144 gives the same sequence; the position shown is the placement nearest the transcript's 3' end. VCF-style (leftmost placement, unchanged base first): chr7-97006132-CGCCGCA-C. GRCh37 (hg19) VCF-style: chr7-96635444-CGCCGCA-C.
Identifiers: ClinVar variation 1505793 (VCV001505793.8), dbSNP rs755406705, ClinGen allele CA4353730.